The following is an entry in ClinVar:

NM_001267550.2(TTN):c.4110A>G (p.Lys1370=)

Genes: TTN (titin; minus strand), LOC101927055 (uncharacterized LOC101927055; plus strand). Cytogenetic location: 2q31.2.
Variant type: single nucleotide variant.
Coding change: c.4110A>G on transcript NM_001267550.2 (MANE Select); coding-DNA position 4110, A replaced by G.
Protein change: p.Lys1370=; no amino-acid change (lysine 1370 retained).
Molecular consequence: synonymous variant.
Genome position (GRCh38, 1-based): chr2:178,778,972, T>C on the plus strand (A>G on the coding strand, the complement: TTN is on the minus strand). VCF-style: chr2-178778972-T-C. GRCh37 (hg19) VCF-style: chr2-179643699-T-C.
Other names: c.4110A>G, p.Lys1370= (NM_001256850.1, NM_133378.4, NM_133379.5); c.3972A>G, p.Lys1324= (NM_003319.4, NM_133432.3, NM_133437.4).
Identifiers: ClinVar variation 512023 (VCV000512023.11), dbSNP rs1554011877, ClinGen allele CA430108086.
Genomic context (GRCh38, chr2:178,778,972, plus strand): 5'-CGGAGCTCCAAGTGGTGCAGCAGGCTCCACATACAATTTCCCTGAGCAAATTGCATTTCC[T>C]TTAATATTGCTGGCAAATGCAGTGTAGATTCCTTCATCTTCTGGAAGAACAACAGGTATA-3'
Protein context (NP_001254479.2, residues 1360-1380): GIYTAFASNI[Lys1370=]GNAICSGKLY

ClinVar aggregate classification (germline): Likely benign. Review status: criteria provided, multiple submitters, no conflicts (2 of 4 stars). 3 submissions from 3 submitters: Likely benign (3). Last evaluated 2025-04-04.

Conditions:
Cardiovascular phenotype. Identifiers: MedGen CN230736.
Autosomal recessive limb-girdle muscular dystrophy type 2J (LGMDR10). Also called: MUSCULAR DYSTROPHY, LIMB-GIRDLE, AUTOSOMAL RECESSIVE 10; Limb-girdle muscular dystrophy, type 2J. Identifiers: Orphanet 140922, MedGen C1837342, MONDO:0012127, OMIM 608807.
Dilated cardiomyopathy 1G (CMD1G). Identifiers: Orphanet 154, MedGen C1858763, MONDO:0011400, OMIM 604145.

Allele frequency attached by ClinVar (database versions not stated): TOPMed below 0.00001; gnomAD 0.00001.
gnomAD v4.1: 1 of 1,613,918 alleles (0.000062%); highest among the groups gnomAD compares: African/African-American, 0.0013%; no homozygotes.

Submissions (3):

Labcorp Genetics (formerly Invitae), Labcorp
Classification: Likely benign for Dilated cardiomyopathy 1G; Autosomal recessive limb-girdle muscular dystrophy type 2J. Last evaluated: 2025-04-04. Review status: criteria provided, single submitter. Criteria: Invitae Variant Classification Sherloc (09022015). Collection method: clinical testing. Allele origin: germline.

Ambry Genetics
Classification: Likely benign for Cardiovascular phenotype. Last evaluated: 2022-04-03. Review status: criteria provided, single submitter. Criteria: Ambry Variant Classification Scheme 2023. Collection method: clinical testing. Allele origin: germline.

GeneDx
Classification: Likely benign. Last evaluated: 2017-09-08. Review status: criteria provided, single submitter. Criteria: GeneDx Variant Classification (06012015). Collection method: clinical testing. Allele origin: germline. Affected: yes.
Comment: This variant is considered likely benign or benign based on one or more of the following criteria: it is a conservative change, it occurs at a poorly conserved position in the protein, it is predicted to be benign by multiple in silico algorithms, and/or has population frequency not consistent with disease.